The following is an entry in ClinVar:

ClinVar aggregate classification (germline): Conflicting classifications of pathogenicity. Review status: criteria provided, conflicting classifications (1 of 4 stars). 3 submissions from 3 submitters: Uncertain significance (2); Benign (1). Last evaluated 2026-06-01.

Conditions:
JAG1-related disorder. Also called: JAG1-related condition; JAG1-related disorders.
Cardiovascular phenotype. Identifiers: MedGen CN230736.
Alagille syndrome due to a JAG1 point mutation. Also called: HEPATIC DUCTULAR HYPOPLASIA, SYNDROMATIC; Alagille Syndrome 1; JAG1-Related Alagille Syndrome. Identifiers: Orphanet 261619, Orphanet 52, MedGen C1956125, MONDO:0016862, OMIM 118450.

Allele frequency attached by ClinVar (database versions not stated): gnomAD exomes below 0.00001 and 0.00001; TOPMed 0.00001.
gnomAD v4.1: 10 of 1,614,084 alleles (0.00062%); highest among the groups gnomAD compares: African/African-American, 0.0027%; no homozygotes.

Submissions (3):

Ambry Genetics
Classification: Uncertain significance for Cardiovascular phenotype. Last evaluated: 2026-06-01. Review status: criteria provided, single submitter. Criteria: Ambry Variant Classification Scheme 2023. Collection method: clinical testing. Allele origin: germline.
Comment: The c.2150G>C (p.G717A) alteration is located in exon 17 (coding exon 17) of the JAG1 gene. This alteration results from a G to C substitution at nucleotide position 2150, causing the glycine (G) at amino acid position 717 to be replaced by an alanine (A). Based on data from gnomAD, the C allele has an overall frequency of <0.001% (1/251488) total alleles studied. The highest observed frequency was 0.006% (1/16256) of African alleles. Based on insufficient or conflicting evidence, the clinical significance of this alteration remains unclear.

PreventionGenetics, part of Exact Sciences
Classification: Uncertain significance for JAG1-related condition. Last evaluated: 2024-11-11. Review status: criteria provided, single submitter. Criteria: ACMG Guidelines, 2015. Collection method: clinical testing. Allele origin: germline.
Comment: The JAG1 c.2150G>C variant is predicted to result in the amino acid substitution p.Gly717Ala. To our knowledge, this variant has not been reported in the literature. This variant is reported in 0.0062% of alleles in individuals of African descent in gnomAD. At this time, the clinical significance of this variant is uncertain due to the absence of conclusive functional and genetic evidence.

Labcorp Genetics (formerly Invitae), Labcorp
Classification: Benign for Alagille syndrome due to a JAG1 point mutation. Last evaluated: 2024-10-26. Review status: criteria provided, single submitter. Criteria: Invitae Variant Classification Sherloc (09022015). Collection method: clinical testing. Allele origin: germline.

NM_000214.3(JAG1):c.2150G>C (p.Gly717Ala)

Gene: JAG1 (jagged canonical Notch ligand 1; minus strand). Cytogenetic location: 20p12.2.
Variant type: single nucleotide variant.
Coding change: c.2150G>C on transcript NM_000214.3 (MANE Select); coding-DNA position 2150, G replaced by C.
Protein change: p.Gly717Ala; replaces glycine 717 with alanine.
Molecular consequence: missense variant.
Genome position (GRCh38, 1-based): chr20:10,645,220, C>G on the plus strand (G>C on the coding strand, the complement: JAG1 is on the minus strand). VCF-style: chr20-10645220-C-G. GRCh37 (hg19) VCF-style: chr20-10625868-C-G.
Other names: c.2150G>C (NM_000214.2); short protein forms G717A.
Identifiers: ClinVar variation 1450253 (VCV001450253.10), dbSNP rs200473477, ClinGen allele CA311345594.